The following is an entry in ClinVar:

ClinVar aggregate classification (germline): Likely benign (0 of 4 stars; one submission).

Conditions:
ZBTB40-related disorder. Also called: ZBTB40-related condition.

Allele frequency attached by ClinVar (database versions not stated): gnomAD exomes 0.00009; ExAC 0.00030; ESP Exome Variant Server 0.00085; gnomAD 0.00117; TOPMed 0.00127; 1000 Genomes Project 30x 0.00187; 1000 Genomes Project 0.00200.

Submission:

PreventionGenetics, part of Exact Sciences
Classification: Likely benign for ZBTB40-related condition. Last evaluated: 2019-03-04. Review status: no assertion criteria provided. Collection method: clinical testing. Allele origin: germline.
Comment: This variant is classified as likely benign based on ACMG/AMP sequence variant interpretation guidelines (Richards et al. 2015 PMID: 25741868, with internal and published modifications).

NM_014870.4(ZBTB40):c.3212-3C>T

Gene: ZBTB40 (zinc finger and BTB domain containing 40; plus strand). Cytogenetic location: 1p36.12.
Variant type: single nucleotide variant.
Coding change: c.3212-3C>T on transcript NM_014870.4 (MANE Select); 3 bases into the intron before coding-DNA position 3212, C replaced by T.
Molecular consequence: intron variant.
Genome position (GRCh38, 1-based): chr1:22,522,374, C>T. VCF-style: chr1-22522374-C-T. GRCh37 (hg19) VCF-style: chr1-22848867-C-T.
Other names: c.3212-3C>T (NM_001083621.2); c.2876-3C>T (NM_001330398.2).
Identifiers: ClinVar variation 3044801 (VCV003044801.2), dbSNP rs142695294, ClinGen allele CA676365.